The following is an entry in ClinVar:

ClinVar aggregate classification (germline): Likely benign (1 of 4 stars; one submission).

Conditions:
Neurofibromatosis, type 1 (NF1). Also called: VON RECKLINGHAUSEN DISEASE; NEUROFIBROMATOSIS, TYPE I, SOMATIC; Peripheral type neurofibromatosis; Neurofibromatosis, type I. Identifiers: Orphanet 636, MedGen C0027831, MONDO:0018975, OMIM 162200. Disease mechanism: loss of function.

gnomAD v4.1: 1 of 1,611,092 alleles (0.000062%); highest among the groups gnomAD compares: Non-Finnish European, 0.000085%; no homozygotes.

Submission:

Myriad Genetics, Inc.
Classification: Likely benign for Neurofibromatosis, type 1. Last evaluated: 2026-05-13. Review status: criteria provided, single submitter. Criteria: Myriad Autosomal Dominant, Autosomal Recessive and X-Linked Classification Criteria (2023). Collection method: clinical testing. Allele origin: unknown.
Comment: This variant is considered likely benign. This variant is intronic and is not expected to impact mRNA splicing.

NM_001042492.3(NF1):c.4111-17T>C

Gene: NF1 (neurofibromin 1; plus strand). Cytogenetic location: 17q11.2.
Variant type: single nucleotide variant.
Coding change: c.4111-17T>C on transcript NM_001042492.3 (MANE Select); 17 bases into the intron before coding-DNA position 4111, T replaced by C.
Molecular consequence: intron variant.
Genome position (GRCh38, 1-based): chr17:31,252,921, T>C. VCF-style: chr17-31252921-T-C. GRCh37 (hg19) VCF-style: chr17-29579939-T-C.
Other names: c.4110+3802T>C (NM_000267.4).
Identifiers: ClinVar variation 4876169 (VCV004876169.1).